The following is an entry in ClinVar:

ClinVar aggregate classification (germline): Pathogenic/Likely pathogenic. Review status: criteria provided, multiple submitters, no conflicts (2 of 4 stars). 4 submissions from 4 submitters: Pathogenic (2); Likely pathogenic (1). 1 of the submissions does not count toward it. Last evaluated 2024-07-11.

Conditions:
VPS13B-related disorder. Also called: VPS13B-related condition.
Cohen syndrome (COH1). Also called: Cutis verticis gyrata, retinitis pigmentosa, and sensorineural deafness; PEPPER SYNDROME. Identifiers: Orphanet 193, MedGen C0265223, MONDO:0008999, OMIM 216550.

Submissions (4):

Labcorp Genetics (formerly Invitae), Labcorp
Classification: Pathogenic for Cohen syndrome. Last evaluated: 2024-07-11. Review status: criteria provided, single submitter. Criteria: Invitae Variant Classification Sherloc (09022015). Collection method: clinical testing. Allele origin: germline.
Comment: This sequence change creates a premature translational stop signal (p.Thr3780Hisfs*98) in the VPS13B gene. It is expected to result in an absent or disrupted protein product. Loss-of-function variants in VPS13B are known to be pathogenic (PMID: 15141358, 16648375, 20461111). This variant is present in population databases (no rsID available, gnomAD 0.01%). This variant has not been reported in the literature in individuals affected with VPS13B-related conditions. ClinVar contains an entry for this variant (Variation ID: 370117). For these reasons, this variant has been classified as Pathogenic.

Athena Diagnostics
Classification: Pathogenic. Last evaluated: 2023-09-26. Review status: criteria provided, single submitter. Criteria: Athena Diagnostics Criteria. Collection method: clinical testing. Allele origin: unknown.
Comment: This variant is expected to result in the loss of a functional protein. The frequency of this variant in the general population is consistent with pathogenicity. This variant has been identified in at least one individual tested at Athena Diagnostics with clinical features associated with this gene.

Blueprint Genetics
Classification: Likely pathogenic for VPS13B-related disorders. Last evaluated: 2020-12-07. Review status: criteria provided, single submitter. Criteria: ACMG Guidelines, 2015. Collection method: clinical testing. Allele origin: germline. Affected: yes. Observed: 1 variant allele.

Counsyl
Classification: Likely pathogenic for Cohen syndrome. Last evaluated: 2016-01-14. Review status: no assertion criteria provided. Collection method: clinical testing. Allele origin: unknown. Not counted in ClinVar's aggregate classification.

Literature cited by the submitters: PubMed 15141358 (cited by Labcorp Genetics (formerly Invitae), Labcorp); PubMed 16648375 (cited by Labcorp Genetics (formerly Invitae), Labcorp); PubMed 20461111 (cited by Labcorp Genetics (formerly Invitae), Labcorp).

NM_152564.5(VPS13B):c.11263del (p.Thr3755fs)

Gene: VPS13B (vacuolar protein sorting 13 homolog B; plus strand). Cytogenetic location: 8q22.2.
Variant type: Deletion.
Coding change: c.11263del on transcript NM_152564.5 (MANE Select); coding-DNA position 11263, one base deleted (A; older notation c.11263delA).
Protein change: p.Thr3755fs; shifts the reading frame from threonine 3755.
Molecular consequence: frameshift variant.
Genome position (GRCh38, 1-based): chr8:99,868,336, A deleted; the last of 4 consecutive A bases (chr8:99,868,333-99,868,336); deleting any one gives the same sequence. VCF-style (leftmost placement, unchanged base first): chr8-99868332-GA-G. GRCh37 (hg19) VCF-style: chr8-100880560-GA-G.
Other names: c.11338delA (NM_017890.4); c.11338del (NM_017890.4); c.11338del, p.Thr3780fs (NM_017890.5); short protein forms T3780fs, T3755fs.
Identifiers: ClinVar variation 370117 (VCV000370117.10), dbSNP rs1057516245, ClinGen allele CA16041275.